The following is an entry in ClinVar:

ClinVar aggregate classification (germline): Uncertain significance. Review status: criteria provided, multiple submitters, no conflicts (2 of 4 stars). 3 submissions from 3 submitters: Uncertain significance (3). Last evaluated 2025-05-05.

Allele frequency attached by ClinVar (database versions not stated): ExAC 0.00001; gnomAD 0.00001; gnomAD exomes 0.00002 and 0.00007; TOPMed 0.00002; ESP Exome Variant Server 0.00017.
gnomAD v4.1: 96 of 1,585,708 alleles (0.0061%); highest among the groups gnomAD compares: Non-Finnish European, 0.008%; no homozygotes.

Submissions (3):

Labcorp Genetics (formerly Invitae), Labcorp
Classification: Uncertain significance. Last evaluated: 2025-05-05. Review status: criteria provided, single submitter. Criteria: Invitae Variant Classification Sherloc (09022015). Collection method: clinical testing. Allele origin: germline.
Comment: This sequence change replaces phenylalanine, which is neutral and non-polar, with leucine, which is neutral and non-polar, at codon 106 of the CEP78 protein (p.Phe106Leu). This variant is present in population databases (rs372000838, gnomAD 0.004%). This variant has not been reported in the literature in individuals affected with CEP78-related conditions. ClinVar contains an entry for this variant (Variation ID: 1335729). Invitae Evidence Modeling of protein sequence and biophysical properties (such as structural, functional, and spatial information, amino acid conservation, physicochemical variation, residue mobility, and thermodynamic stability) indicates that this missense variant is not expected to disrupt CEP78 protein function with a negative predictive value of 80%. In summary, the available evidence is currently insufficient to determine the role of this variant in disease. Therefore, it has been classified as a Variant of Uncertain Significance.

Blueprint Genetics
Classification: Uncertain significance. Last evaluated: 2023-10-18. Review status: criteria provided, single submitter. Criteria: ACMG Guidelines, 2015. Collection method: clinical testing. Allele origin: germline.

CeGaT Center for Human Genetics Tuebingen
Classification: Uncertain significance. Last evaluated: 2021-12-01. Review status: criteria provided, single submitter. Criteria: CeGaT Center For Human Genetics Tuebingen Variant Classification Criteria Version 2. Collection method: clinical testing. Allele origin: germline. Affected: yes. Observed: 1 variant allele.

NM_001330691.3(CEP78):c.318C>A (p.Phe106Leu)

Gene: CEP78 (centrosomal protein 78; plus strand). Cytogenetic location: 9q21.2.
Variant type: single nucleotide variant.
Coding change: c.318C>A on transcript NM_001330691.3 (MANE Select); coding-DNA position 318, C replaced by A.
Protein change: p.Phe106Leu; replaces phenylalanine 106 with leucine.
Molecular consequence: missense variant.
Genome position (GRCh38, 1-based): chr9:78,240,087, C>A. VCF-style: chr9-78240087-C-A. GRCh37 (hg19) VCF-style: chr9-80855003-C-A.
Other names: c.318C>A, p.Phe106Leu (NM_001098802.3, NM_001330693.3, NM_001330694.2 and 4 more transcripts); short protein forms F106L.
Identifiers: ClinVar variation 1335729 (VCV001335729.39), dbSNP rs372000838, ClinGen allele CA5094882.